The following is an entry in ClinVar:

ClinVar aggregate classification (germline): Uncertain significance (1 of 4 stars; one submission).

Submission:

Labcorp Genetics (formerly Invitae), Labcorp
Classification: Uncertain significance. Last evaluated: 2023-08-10. Review status: criteria provided, single submitter. Criteria: Invitae Variant Classification Sherloc (09022015). Collection method: clinical testing. Allele origin: germline.
Comment: This sequence change replaces asparagine, which is neutral and polar, with serine, which is neutral and polar, at codon 420 of the IRF2BP2 protein (p.Asn420Ser). This variant is not present in population databases (gnomAD no frequency). This variant has not been reported in the literature in individuals affected with IRF2BP2-related conditions. An algorithm developed to predict the effect of missense changes on protein structure and function (PolyPhen-2) suggests that this variant is likely to be disruptive. In summary, the available evidence is currently insufficient to determine the role of this variant in disease. Therefore, it has been classified as a Variant of Uncertain Significance.

NM_182972.3(IRF2BP2):c.1259A>G (p.Asn420Ser)

Gene: IRF2BP2 (interferon regulatory factor 2 binding protein 2; minus strand). Cytogenetic location: 1q42.3.
Variant type: single nucleotide variant.
Coding change: c.1259A>G on transcript NM_182972.3 (MANE Select); coding-DNA position 1259, A replaced by G.
Protein change: p.Asn420Ser; replaces asparagine 420 with serine.
Molecular consequence: missense variant.
Genome position (GRCh38, 1-based): chr1:234,607,642, T>C on the plus strand (A>G on the coding strand, the complement: IRF2BP2 is on the minus strand). VCF-style: chr1-234607642-T-C. GRCh37 (hg19) VCF-style: chr1-234743388-T-C.
Other names: c.1211A>G, p.Asn404Ser (NM_001077397.1); short protein forms N404S, N420S.
Identifiers: ClinVar variation 2751723 (VCV002751723.3), dbSNP rs2528514723, ClinGen allele CA345306565.
Genomic context (GRCh38, chr1:234,607,642, plus strand): 5'-GCATGACTGCCCCCTGCATTGTCTGCTACTAAGATCAGGGCTGCCATGGGGGACTGGCCA[T>C]TCTGGGCCGCTTCAGGCGGTGTGGTCCGGTTGGAATGAGGTGAGGCAGTGGGTGGTGGCG-3'
Protein context (NP_892017.2, residues 410-430): NRTTPPEAAQ[Asn420Ser]GQSPMAALIL